The following is an entry in ClinVar:

ClinVar aggregate classification (germline): Uncertain significance (1 of 4 stars; one submission).

gnomAD v4.1: 12 of 1,613,280 alleles (0.00074%); highest among the groups gnomAD compares: Admixed American, 0.0033%; no homozygotes.

Submission:

Labcorp Genetics (formerly Invitae), Labcorp
Classification: Uncertain significance. Last evaluated: 2025-08-30. Review status: criteria provided, single submitter. Criteria: Invitae Variant Classification Sherloc (09022015). Collection method: clinical testing. Allele origin: germline.
Comment: This sequence change falls in intron 93 of the COL7A1 gene. It does not directly change the encoded amino acid sequence of the COL7A1 protein. It affects a nucleotide within the consensus splice site. This variant is present in population databases (rs199742042, gnomAD 0.006%). This variant has not been reported in the literature in individuals affected with COL7A1-related conditions. Variants that disrupt the consensus splice site are a relatively common cause of aberrant splicing (PMID: 17576681, 9536098). Algorithms developed to predict the effect of sequence changes on RNA splicing suggest that this variant is not likely to affect RNA splicing. In summary, the available evidence is currently insufficient to determine the role of this variant in disease. Therefore, it has been classified as a Variant of Uncertain Significance.

Literature cited by the submitters: PubMed 17576681; PubMed 9536098.

NM_000094.4(COL7A1):c.7165-3C>T

Gene: COL7A1 (collagen type VII alpha 1 chain; minus strand). Cytogenetic location: 3p21.31.
Variant type: single nucleotide variant.
Coding change: c.7165-3C>T on transcript NM_000094.4 (MANE Select); 3 bases into the intron before coding-DNA position 7165, C replaced by T.
Molecular consequence: intron variant.
Genome position (GRCh38, 1-based): chr3:48,570,971, G>A on the plus strand (C>T on the coding strand, the complement: COL7A1 is on the minus strand). VCF-style: chr3-48570971-G-A. GRCh37 (hg19) VCF-style: chr3-48608404-G-A.
Identifiers: ClinVar variation 4707528 (VCV004707528.1).